The following is an entry in ClinVar:

ClinVar aggregate classification (germline): Conflicting classifications of pathogenicity. Review status: criteria provided, conflicting classifications (1 of 4 stars). 2 submissions from 2 submitters: Uncertain significance (1); Likely benign (1). Last evaluated 2026-02-01.

Allele frequency attached by ClinVar (database versions not stated): ESP Exome Variant Server 0.00012; TOPMed 0.00023; 1000 Genomes Project 30x 0.00031; 1000 Genomes Project 0.00040; gnomAD exomes 0.00053 and 0.00059; ExAC 0.00074; gnomAD 0.00075 and 0.00076.
gnomAD v4.1: 881 of 1,613,048 alleles (0.055%); highest among the groups gnomAD compares: Non-Finnish European, 0.056%; 3 homozygotes.

Submissions (2):

CeGaT Center for Human Genetics Tuebingen
Classification: Likely benign. Last evaluated: 2026-02-01. Review status: criteria provided, single submitter. Criteria: CeGaT Center For Human Genetics Tuebingen Variant Classification Criteria Version 2. Collection method: clinical testing. Allele origin: germline. Affected: yes. Observed: 2 variant alleles.
Comment: VARS1: BP4

GeneDx
Classification: Uncertain significance. Last evaluated: 2021-02-24. Review status: criteria provided, single submitter. Criteria: GeneDx Variant Classification Process June 2021. Collection method: clinical testing. Allele origin: germline. Affected: yes.
Comment: In silico analysis supports that this missense variant does not alter protein structure/function; Has not been previously published as pathogenic or benign to our knowledge

NM_006295.3(VARS1):c.1843A>G (p.Met615Val)

Gene: VARS1 (valyl-tRNA synthetase 1; minus strand). Cytogenetic location: 6p21.33.
Variant type: single nucleotide variant.
Coding change: c.1843A>G on transcript NM_006295.3 (MANE Select); coding-DNA position 1843, A replaced by G.
Protein change: p.Met615Val; replaces methionine 615 with valine.
Molecular consequence: missense variant.
Genome position (GRCh38, 1-based): chr6:31,782,765, T>C on the plus strand (A>G on the coding strand, the complement: VARS1 is on the minus strand). VCF-style: chr6-31782765-T-C. GRCh37 (hg19) VCF-style: chr6-31750542-T-C.
Other names: short protein forms M615V.
Identifiers: ClinVar variation 1219611 (VCV001219611.25), dbSNP rs139579796, ClinGen allele CA3723166.
Genomic context (GRCh38, chr6:31,782,765, plus strand): 5'-CCTCAGGCAGCCTCACCAGGAAAGGCGGAGGCACATTGATGAGGGCCCCCCGGGAGTCCA[T>C]GATGCTGATGGCCTCCAGCCCGTGCCGCTGCCCAACTTCATAGTCATTTTGGTCATGTGC-3'
Protein context (NP_006286.1, residues 605-625): QRHGLEAISI[Met615Val]DSRGALINVP